The following is an entry in ClinVar:

ClinVar aggregate classification (germline): Uncertain significance (1 of 4 stars; one submission).

Conditions:
Hereditary cancer-predisposing syndrome. Also called: Neoplastic Syndromes, Hereditary; Tumor predisposition; Hereditary Cancer Syndrome; Hereditary neoplastic syndrome. Identifiers: Orphanet 140162, MedGen C0027672, MeSH D009386, MONDO:0015356.

Submission:

Ambry Genetics
Classification: Uncertain significance for Hereditary cancer-predisposing syndrome. Last evaluated: 2024-06-26. Review status: criteria provided, single submitter. Criteria: Ambry Variant Classification Scheme 2023. Collection method: clinical testing. Allele origin: germline.
Comment: The p.S34R variant (also known as c.102T>A), located in coding exon 2 of the PMS2 gene, results from a T to A substitution at nucleotide position 102. The serine at codon 34 is replaced by arginine, an amino acid with dissimilar properties. This amino acid position is conserved. In addition, the in silico prediction for this alteration is inconclusive. Based on the available evidence, the clinical significance of this variant remains unclear.

NM_000535.7(PMS2):c.102T>A (p.Ser34Arg)

Gene: PMS2 (PMS1 homolog 2, mismatch repair system component; minus strand). Cytogenetic location: 7p22.1.
Variant type: single nucleotide variant.
Coding change: c.102T>A on transcript NM_000535.7 (MANE Select); coding-DNA position 102, T replaced by A.
Protein change: p.Ser34Arg; replaces serine 34 with arginine.
Molecular consequence: missense variant. On other transcripts: 5 prime UTR variant (38), non-coding transcript variant (1), intron variant (7).
Genome position (GRCh38, 1-based): chr7:6,005,953, A>T on the plus strand (T>A on the coding strand, the complement: PMS2 is on the minus strand). VCF-style: chr7-6005953-A-T. GRCh37 (hg19) VCF-style: chr7-6045584-A-T.
Other names: c.-304T>A (NM_001406910.1, NM_001322003.2, NM_001322005.2 and 10 more transcripts); c.102T>A, p.Ser34Arg (NM_001406912.1, NM_001322006.2, NM_001322014.2 and 10 more transcripts); c.-52-1895T>A (NM_001322008.2); c.-189-1895T>A (NM_001406895.1); c.-242-1895T>A (NM_001406911.1, NM_001322010.2, NM_001322004.2); c.-321-1895T>A (NM_001406879.1); c.-218-1895T>A (NM_001406881.1); c.-114T>A (NM_001322007.2, NM_001406876.1, NM_001406883.1 and 4 more transcripts); and 7 more; short protein forms S34R, S96R.
Identifiers: ClinVar variation 3421465 (VCV003421465.1).